The following is an entry in ClinVar:

ClinVar aggregate classification (germline): Benign. Review status: criteria provided, multiple submitters, no conflicts (2 of 4 stars). 3 submissions from 3 submitters: Benign (3). Last evaluated 2026-01-31.

Allele frequency attached by ClinVar (database versions not stated): gnomAD exomes 0.00148 and 0.00468; ExAC 0.00495; ESP Exome Variant Server 0.01427; gnomAD 0.01492 and 0.01608; 1000 Genomes Project 0.01538; 1000 Genomes Project 30x 0.01655; TOPMed 0.01711.

Submissions (3):

Labcorp Genetics (formerly Invitae), Labcorp
Classification: Benign. Last evaluated: 2026-01-31. Review status: criteria provided, single submitter. Criteria: Invitae Variant Classification Sherloc (09022015). Collection method: clinical testing. Allele origin: germline.

GeneDx
Classification: Benign. Last evaluated: 2016-06-16. Review status: criteria provided, single submitter. Criteria: GeneDx Variant Classification (06012015). Collection method: clinical testing. Allele origin: germline. Affected: yes.
Comment: This variant is considered likely benign or benign based on one or more of the following criteria: it is a conservative change, it occurs at a poorly conserved position in the protein, it is predicted to be benign by multiple in silico algorithms, and/or has population frequency not consistent with disease.

Breakthrough Genomics
Classification: Benign. Review status: criteria provided, single submitter. Criteria: ACMG Guidelines, 2015. Collection method: not provided. Allele origin: germline. Inheritance: Autosomal recessive inheritance. Affected: yes.

NM_002768.5(CHMP1A):c.570-20G>C

Gene: CHMP1A (charged multivesicular body protein 1A; minus strand). Cytogenetic location: 16q24.3.
Variant type: single nucleotide variant.
Coding change: c.570-20G>C on transcript NM_002768.5 (MANE Select); 20 bases into the intron before coding-DNA position 570, G replaced by C.
Molecular consequence: intron variant.
Genome position (GRCh38, 1-based): chr16:89,646,107, C>G on the plus strand (G>C on the coding strand, the complement: CHMP1A is on the minus strand). VCF-style: chr16-89646107-C-G. GRCh37 (hg19) VCF-style: chr16-89712515-C-G.
Other names: c.550-20G>C (NM_001083314.4).
Identifiers: ClinVar variation 384619 (VCV000384619.10), dbSNP rs57359584, ClinGen allele CA8246923.
Genomic context (GRCh38, chr16:89,646,107, plus strand): 5'-GCACACCGGCGGGGCACGGCTAGTTCCTCAAGGCGGCCAACCTGGAAACCAACAACAGGA[C>G]TCGGGTCAGGGCAGGGGAAGGGGGCCTCTGACCACCACGTGCTCCCAGCACAGGTGACCC-3'